The following is an entry in ClinVar:

NM_025074.7(FRAS1):c.2660C>G (p.Thr887Ser)

Gene: FRAS1 (Fraser extracellular matrix complex subunit 1; plus strand). Cytogenetic location: 4q21.21.
Variant type: single nucleotide variant.
Coding change: c.2660C>G on transcript NM_025074.7 (MANE Select); coding-DNA position 2660, C replaced by G.
Protein change: p.Thr887Ser; replaces threonine 887 with serine.
Molecular consequence: missense variant.
Genome position (GRCh38, 1-based): chr4:78,363,992, C>G. VCF-style: chr4-78363992-C-G. GRCh37 (hg19) VCF-style: chr4-79285146-C-G.
Other names: p.Thr887Ser; c.2660C>G, p.Thr887Ser (NM_001166133.2); short protein forms T887S.
Identifiers: ClinVar variation 349699 (VCV000349699.17), dbSNP rs74510691, ClinGen allele CA2976709.

ClinVar aggregate classification (germline): Benign. Review status: criteria provided, multiple submitters, no conflicts (2 of 4 stars). 4 submissions from 4 submitters: Benign (4). Last evaluated 2026-02-02.

Conditions:
Fraser syndrome 1 (FRASRS1). Also called: CRYPTOPHTHALMOS WITH OTHER MALFORMATIONS. Identifiers: Orphanet 2052, MedGen C4551480, MONDO:0054737, OMIM 219000.

Allele frequency attached by ClinVar (database versions not stated): gnomAD exomes 0.00419; ExAC 0.00676; gnomAD 0.01577 and 0.01688; TOPMed 0.01777; ESP Exome Variant Server 0.01840; 1000 Genomes Project 0.02037; 1000 Genomes Project 30x 0.02092.
gnomAD v4.1: 4,747 of 1,610,416 alleles (0.29%); highest among the groups gnomAD compares: African/African-American, 5.4%; 106 homozygotes.

Submissions (5):

Labcorp Genetics (formerly Invitae), Labcorp
Classification: Benign. Last evaluated: 2026-02-02. Review status: criteria provided, single submitter. Criteria: Invitae Variant Classification Sherloc (09022015). Collection method: clinical testing. Allele origin: germline.

Mayo Clinic Laboratories, Mayo Clinic
Classification: Benign. Last evaluated: 2024-09-23. Review status: criteria provided, single submitter. Criteria: ACMG Guidelines, 2015. Collection method: clinical testing. Allele origin: germline. Observed: 1 variant allele.
Comment: BA1, BS2, BP4

Illumina Laboratory Services, Illumina
Classification: Benign for Fraser syndrome 1. Last evaluated: 2018-01-12. Review status: criteria provided, single submitter. Criteria: ICSL Variant Classification Criteria 13 December 2019. Collection method: clinical testing. Allele origin: germline.
Comment: This variant was observed in the ICSL laboratory as part of a predisposition screen in an ostensibly healthy population. It had not been previously curated by ICSL or reported in the Human Gene Mutation Database (HGMD: prior to June 1st, 2018), and was therefore a candidate for classification through an automated scoring system. Utilizing variant allele frequency, disease prevalence and penetrance estimates, and inheritance mode, an automated score was calculated to assess if this variant is too frequent to cause the disease. Based on the score and internal cut-off values, a variant classified as benign is not then subjected to further curation. The score for this variant resulted in a classification of benign for this disease.

Breakthrough Genomics
Classification: Benign. Review status: criteria provided, single submitter. Criteria: ACMG Guidelines, 2015. Collection method: not provided. Allele origin: germline. Inheritance: Autosomal recessive inheritance. Affected: yes.

Dr. Peter K. Rogan Lab, Western University
No classification provided (evidence only). Condition: Clear cell carcinoma of kidney. Review status: no classification provided. Collection method: in vitro. Allele origin: not applicable. Functional consequence: retained intron. Not counted in ClinVar's aggregate classification.

Literature cited by the submitters: PubMed 31308072 (cited by Mayo Clinic Laboratories, Mayo Clinic).